The following is an entry in ClinVar:

ClinVar aggregate classification (germline): Uncertain significance (1 of 4 stars; one submission).

Allele frequency attached by ClinVar (database versions not stated): TOPMed below 0.00001; gnomAD 0.00001 and 0.00002; gnomAD exomes 0.00018; ExAC 0.00022; 1000 Genomes Project 30x 0.00031; 1000 Genomes Project 0.00040.
gnomAD v4.1: 104 of 1,602,820 alleles (0.0065%); highest among the groups gnomAD compares: South Asian, 0.11%; 4 homozygotes.

Submission:

Labcorp Genetics (formerly Invitae), Labcorp
Classification: Uncertain significance. Last evaluated: 2022-07-12. Review status: criteria provided, single submitter. Criteria: Invitae Variant Classification Sherloc (09022015). Collection method: clinical testing. Allele origin: germline.
Comment: This sequence change replaces arginine, which is basic and polar, with cysteine, which is neutral and slightly polar, at codon 580 of the IFT81 protein (p.Arg580Cys). This variant is present in population databases (rs527626533, gnomAD 0.1%). This variant has not been reported in the literature in individuals affected with IFT81-related conditions. ClinVar contains an entry for this variant (Variation ID: 1405210). Algorithms developed to predict the effect of missense changes on protein structure and function are either unavailable or do not agree on the potential impact of this missense change (SIFT: "Deleterious"; PolyPhen-2: "Probably Damaging"; Align-GVGD: "Class C0"). In summary, the available evidence is currently insufficient to determine the role of this variant in disease. Therefore, it has been classified as a Variant of Uncertain Significance.

NM_014055.4(IFT81):c.1738C>T (p.Arg580Cys)

Gene: IFT81 (intraflagellar transport 81; plus strand). Cytogenetic location: 12q24.11.
Variant type: single nucleotide variant.
Coding change: c.1738C>T on transcript NM_014055.4 (MANE Select); coding-DNA position 1738, C replaced by T.
Protein change: p.Arg580Cys; replaces arginine 580 with cysteine.
Molecular consequence: missense variant. On other transcripts: non-coding transcript variant (4).
Genome position (GRCh38, 1-based): chr12:110,205,616, C>T. VCF-style: chr12-110205616-C-T. GRCh37 (hg19) VCF-style: chr12-110643421-C-T.
Other names: c.1738C>T, p.Arg580Cys (NM_001143779.2); c.808C>T, p.Arg270Cys (NM_001347947.2, NM_001347948.2); short protein forms R270C, R580C.
Identifiers: ClinVar variation 1405210 (VCV001405210.3), dbSNP rs527626533, ClinGen allele CA6783475.